The following is an entry in ClinVar:

ClinVar aggregate classification (germline): Uncertain significance. Review status: criteria provided, multiple submitters, no conflicts (2 of 4 stars). 2 submissions from 2 submitters: Uncertain significance (2). Last evaluated 2022-10-27.

Conditions:
Neuronal ceroid lipofuscinosis 7 (CLN7). Also called: MFSD8-Related Neuronal Ceroid-Lipofuscinosis. Identifiers: Orphanet 168491, Orphanet 228366, MedGen C1838571, MONDO:0012588, OMIM 610951.

Allele frequency attached by ClinVar (database versions not stated): gnomAD 0.00001; gnomAD exomes 0.00001; TOPMed 0.00001; ESP Exome Variant Server 0.00008.
gnomAD v4.1: 9 of 1,613,642 alleles (0.00056%); highest among the groups gnomAD compares: East Asian, 0.0022%; no homozygotes.

Submissions (2):

Labcorp Genetics (formerly Invitae), Labcorp
Classification: Uncertain significance for Neuronal ceroid lipofuscinosis 7. Last evaluated: 2022-10-27. Review status: criteria provided, single submitter. Criteria: Invitae Variant Classification Sherloc (09022015). Collection method: clinical testing. Allele origin: germline.
Comment: This sequence change replaces arginine, which is basic and polar, with cysteine, which is neutral and slightly polar, at codon 337 of the MFSD8 protein (p.Arg337Cys). This variant is present in population databases (rs373923336, gnomAD 0.006%). This variant has not been reported in the literature in individuals affected with MFSD8-related conditions. Advanced modeling of protein sequence and biophysical properties (such as structural, functional, and spatial information, amino acid conservation, physicochemical variation, residue mobility, and thermodynamic stability) performed at Invitae indicates that this missense variant is expected to disrupt MFSD8 protein function. In summary, the available evidence is currently insufficient to determine the role of this variant in disease. Therefore, it has been classified as a Variant of Uncertain Significance.

Blueprint Genetics
Classification: Uncertain significance. Last evaluated: 2021-01-13. Review status: criteria provided, single submitter. Criteria: ACMG Guidelines, 2015. Collection method: clinical testing. Allele origin: germline.

NM_001371596.2(MFSD8):c.1009C>T (p.Arg337Cys)

Gene: MFSD8 (major facilitator superfamily domain containing 8; minus strand). Cytogenetic location: 4q28.2.
Variant type: single nucleotide variant.
Coding change: c.1009C>T on transcript NM_001371596.2 (MANE Select); coding-DNA position 1009, C replaced by T.
Protein change: p.Arg337Cys; replaces arginine 337 with cysteine.
Molecular consequence: missense variant.
Genome position (GRCh38, 1-based): chr4:127,921,953, G>A on the plus strand (C>T on the coding strand, the complement: MFSD8 is on the minus strand). VCF-style: chr4-127921953-G-A. GRCh37 (hg19) VCF-style: chr4-128843108-G-A.
Other names: c.808C>T, p.Arg270Cys (NM_001363520.3); c.694C>T, p.Arg232Cys (NM_001363521.3); c.874C>T, p.Arg292Cys (NM_001371590.2); c.1009C>T, p.Arg337Cys (NM_001371591.2, NM_152778.4); c.1015C>T, p.Arg339Cys (NM_001371592.2); c.895C>T, p.Arg299Cys (NM_001371593.2); c.862C>T, p.Arg288Cys (NM_001371594.2); c.727C>T, p.Arg243Cys (NM_001371595.1); and 1 more; short protein forms R187C, R337C, R243C, R270C, R299C, R339C, R232C, R288C.
Identifiers: ClinVar variation 2173594 (VCV002173594.2), dbSNP rs373923336, ClinGen allele CA105671194.
Genomic context (GRCh38, chr4:127,921,953, plus strand): 5'-AAGGTAACAAGATAAAGAAGCCAACCCATACAACGATGAGTCCTCCCAGTAGAATAGCAC[G>A]CTCGCCAATCCTGTTAAAGAACAGAAACTCTGTAATTTTAAAATGAAACATTATAACATA-3'
Protein context (NP_001358525.1, residues 327-347): VKLLSKKIGE[Arg337Cys]AILLGGLIVV